The following is an entry in ClinVar:

ClinVar aggregate classification (germline): Uncertain significance (1 of 4 stars; one submission).

Allele frequency attached by ClinVar (database versions not stated): TOPMed below 0.00001; gnomAD 0.00001; gnomAD exomes 0.00001; ExAC 0.00002.
gnomAD v4.1: 18 of 1,614,100 alleles (0.0011%); highest among the groups gnomAD compares: Middle Eastern, 0.016%; no homozygotes.

Submission:

Labcorp Genetics (formerly Invitae), Labcorp
Classification: Uncertain significance. Last evaluated: 2023-10-23. Review status: criteria provided, single submitter. Criteria: Invitae Variant Classification Sherloc (09022015). Collection method: clinical testing. Allele origin: germline.
Comment: This sequence change replaces valine, which is neutral and non-polar, with methionine, which is neutral and non-polar, at codon 3917 of the FAT2 protein (p.Val3917Met). This variant is present in population databases (rs756607776, gnomAD 0.01%). This variant has not been reported in the literature in individuals affected with FAT2-related conditions. Algorithms developed to predict the effect of missense changes on protein structure and function output the following: SIFT: "Not Available"; PolyPhen-2: "Benign"; Align-GVGD: "Not Available". The methionine amino acid residue is found in multiple mammalian species, which suggests that this missense change does not adversely affect protein function. In summary, the available evidence is currently insufficient to determine the role of this variant in disease. Therefore, it has been classified as a Variant of Uncertain Significance.

NM_001447.3(FAT2):c.11749G>A (p.Val3917Met)

Genes: FAT2 (FAT atypical cadherin 2; minus strand), SLC36A1 (solute carrier family 36 member 1; plus strand). Cytogenetic location: 5q33.1.
Variant type: single nucleotide variant.
Coding change: c.11749G>A on transcript NM_001447.3 (MANE Select); coding-DNA position 11749, G replaced by A.
Protein change: p.Val3917Met; replaces valine 3917 with methionine.
Molecular consequence: missense variant.
Genome position (GRCh38, 1-based): chr5:151,512,321, C>T on the plus strand (G>A on the coding strand, the complement: FAT2 is on the minus strand). VCF-style: chr5-151512321-C-T. GRCh37 (hg19) VCF-style: chr5-150891882-C-T.
Other names: short protein forms V3917M.
Identifiers: ClinVar variation 2852742 (VCV002852742.3), dbSNP rs756607776, ClinGen allele CA3519947.